The following is an entry in ClinVar:

ClinVar aggregate classification (germline): Uncertain significance (1 of 4 stars; one submission).

Conditions:
Hereditary cancer-predisposing syndrome. Also called: Hereditary Cancer Syndrome; Tumor predisposition; Hereditary neoplastic syndrome; Neoplastic Syndromes, Hereditary. Identifiers: Orphanet 140162, MedGen C0027672, MeSH D009386, MONDO:0015356.

gnomAD v4.1: 1 of 1,614,068 alleles (0.000062%); highest among the groups gnomAD compares: Non-Finnish European, 0.000085%; no homozygotes.

Submission:

Ambry Genetics
Classification: Uncertain significance for Hereditary cancer-predisposing syndrome. Last evaluated: 2024-05-16. Review status: criteria provided, single submitter. Criteria: Ambry Variant Classification Scheme 2023. Collection method: clinical testing. Allele origin: germline.
Comment: The p.Y552H variant (also known as c.1654T>C), located in coding exon 5 of the AXIN2 gene, results from a T to C substitution at nucleotide position 1654. The tyrosine at codon 552 is replaced by histidine, an amino acid with similar properties. This amino acid position is conserved. In addition, this alteration is predicted to be tolerated by in silico analysis. Based on the available evidence, the clinical significance of this variant remains unclear.

NM_004655.4(AXIN2):c.1654T>C (p.Tyr552His)

Gene: AXIN2 (axin 2; minus strand). Cytogenetic location: 17q24.1.
Variant type: single nucleotide variant.
Coding change: c.1654T>C on transcript NM_004655.4 (MANE Select); coding-DNA position 1654, T replaced by C.
Protein change: p.Tyr552His; replaces tyrosine 552 with histidine.
Molecular consequence: missense variant.
Genome position (GRCh38, 1-based): chr17:65,537,382, A>G on the plus strand (T>C on the coding strand, the complement: AXIN2 is on the minus strand). VCF-style: chr17-65537382-A-G. GRCh37 (hg19) VCF-style: chr17-63533500-A-G.
Other names: c.1654T>C, p.Tyr552His (NM_001363813.1); short protein forms Y552H.
Identifiers: ClinVar variation 3258159 (VCV003258159.1).